The following is an entry in ClinVar:

ClinVar aggregate classification (germline): Uncertain significance (1 of 4 stars; one submission).

Conditions:
Ehlers-Danlos syndrome, classic type, 1 (EDSCL1). Also called: EHLERS-DANLOS SYNDROME, GRAVIS TYPE; EHLERS-DANLOS SYNDROME, SEVERE CLASSIC TYPE; Ehlers-Danlos syndrome, type 1; EDS I; Ehlers-Danlos Syndrome, Classic Type, COL5A1-Related. Identifiers: MedGen C0268335, MONDO:0019567, OMIM 130000.

Submission:

Labcorp Genetics (formerly Invitae), Labcorp
Classification: Uncertain significance for Ehlers-Danlos syndrome, classic type, 1. Last evaluated: 2022-10-07. Review status: criteria provided, single submitter. Criteria: Invitae Variant Classification Sherloc (09022015). Collection method: clinical testing. Allele origin: germline.
Comment: In summary, the available evidence is currently insufficient to determine the role of this variant in disease. Therefore, it has been classified as a Variant of Uncertain Significance. Advanced modeling of protein sequence and biophysical properties (such as structural, functional, and spatial information, amino acid conservation, physicochemical variation, residue mobility, and thermodynamic stability) has been performed at Invitae for this missense variant, however the output from this modeling did not meet the statistical confidence thresholds required to predict the impact of this variant on COL5A1 protein function. This variant has not been reported in the literature in individuals affected with COL5A1-related conditions. This variant is not present in population databases (gnomAD no frequency). This sequence change replaces alanine, which is neutral and non-polar, with valine, which is neutral and non-polar, at codon 1763 of the COL5A1 protein (p.Ala1763Val).

NM_000093.5(COL5A1):c.5288C>T (p.Ala1763Val)

Genes: COL5A1 (collagen type V alpha 1 chain; plus strand), LOC101448202 (uncharacterized LOC101448202; minus strand). Cytogenetic location: 9q34.3.
Variant type: single nucleotide variant.
Coding change: c.5288C>T on transcript NM_000093.5 (MANE Select); coding-DNA position 5288, C replaced by T.
Protein change: p.Ala1763Val; replaces alanine 1763 with valine.
Molecular consequence: missense variant.
Genome position (GRCh38, 1-based): chr9:134,835,122, C>T. VCF-style: chr9-134835122-C-T. GRCh37 (hg19) VCF-style: chr9-137726968-C-T.
Other names: c.5288C>T, p.Ala1763Val (NM_001278074.1); short protein forms A1763V.
Identifiers: ClinVar variation 2006814 (VCV002006814.4), dbSNP rs1281200207, ClinGen allele CA375460730.